The following is an entry in ClinVar:

NM_000297.4(PKD2):c.2801G>A (p.Gly934Glu)

Gene: PKD2 (polycystin 2, transient receptor potential cation channel; plus strand). Cytogenetic location: 4q22.1.
Variant type: single nucleotide variant.
Coding change: c.2801G>A on transcript NM_000297.4 (MANE Select); coding-DNA position 2801, G replaced by A.
Protein change: p.Gly934Glu; replaces glycine 934 with glutamic acid.
Molecular consequence: missense variant. On other transcripts: non-coding transcript variant (1).
Genome position (GRCh38, 1-based): chr4:88,075,588, G>A. VCF-style: chr4-88075588-G-A. GRCh37 (hg19) VCF-style: chr4-88996740-G-A.
Other names: short protein forms G934E.
Identifiers: ClinVar variation 3257564 (VCV003257564.17).

ClinVar aggregate classification (germline): Uncertain significance (1 of 4 stars; one submission).

gnomAD v4.1: 4 of 1,614,170 alleles (0.00025%); highest among the groups gnomAD compares: South Asian, 0.0022%; no homozygotes.

Submission:

CeGaT Center for Human Genetics Tuebingen
Classification: Uncertain significance. Last evaluated: 2024-07-01. Review status: criteria provided, single submitter. Criteria: CeGaT Center For Human Genetics Tuebingen Variant Classification Criteria Version 2. Collection method: clinical testing. Allele origin: germline. Affected: yes. Observed: 1 variant allele.
Comment: PKD2: PM2